The following is an entry in ClinVar:

NM_007294.4(BRCA1):c.5290C>A (p.Leu1764Ile)

Gene: BRCA1 (BRCA1 DNA repair associated; minus strand). Cytogenetic location: 17q21.31.
Variant type: single nucleotide variant.
Coding change: c.5290C>A on transcript NM_007294.4 (MANE Select); coding-DNA position 5290, C replaced by A.
Protein change: p.Leu1764Ile; replaces leucine 1764 with isoleucine.
Molecular consequence: missense variant. On other transcripts: non-coding transcript variant (1).
Genome position (GRCh38, 1-based): chr17:43,051,105, G>T on the plus strand (C>A on the coding strand, the complement: BRCA1 is on the minus strand). VCF-style: chr17-43051105-G-T. GRCh37 (hg19) VCF-style: chr17-41203122-G-T.
Other names: c.4951C>A, p.Leu1651Ile (NM_001407958.1, NM_001407956.1, NM_001407957.1); c.4909C>A, p.Leu1637Ile (NM_001407959.1); c.4906C>A, p.Leu1636Ile (NM_001407960.1, NM_001407962.1); c.4903C>A, p.Leu1635Ile (NM_001407963.1); c.4828C>A, p.Leu1610Ile (NM_001407964.1); c.4783C>A, p.Leu1595Ile (NM_001407965.1); c.4402C>A, p.Leu1468Ile (NM_001407966.1); c.4399C>A, p.Leu1467Ile (NM_001407967.1); and 72 more; short protein forms L1717I, L1764I, L660I, L1785I, L1595I, L1651I, L1694I, L1695I.
Identifiers: ClinVar variation 868288 (VCV000868288.11), dbSNP rs1295469179, ClinGen allele CA501227.

ClinVar aggregate classification (germline): Uncertain significance (1 of 4 stars; one submission).

Conditions:
Hereditary breast ovarian cancer syndrome. Also called: Hereditary breast and ovarian cancer; Hereditary breast and ovarian cancer syndrome (HBOC); Breast and ovarian cancer; Hereditary breast and/or ovarian cancer syndrome; BRCA1- and BRCA2-Associated Hereditary Breast and Ovarian Cancer; Hereditary breast and ovarian cancer syndrome. Identifiers: Orphanet 145, MedGen C0677776, MeSH D061325, MONDO:0003582. Disease mechanism: loss of function.

gnomAD v4.1: 1 of 1,614,016 alleles (0.000062%); highest among the groups gnomAD compares: Non-Finnish European, 0.000085%; no homozygotes.

Submissions (2):

Labcorp Genetics (formerly Invitae), Labcorp
Classification: Uncertain significance for Hereditary breast ovarian cancer syndrome. Last evaluated: 2021-04-02. Review status: criteria provided, single submitter. Criteria: Invitae Variant Classification Sherloc (09022015). Collection method: clinical testing. Allele origin: germline.
Comment: Advanced modeling of experimental studies (such as gene expression, population dynamics, functional pathways, and cell-cycle effects in cell culture) performed at Invitae indicates that this missense variant is not expected to disrupt BRCA1 protein function. In summary, the available evidence is currently insufficient to determine the role of this variant in disease. Therefore, it has been classified as a Variant of Uncertain Significance. This variant disrupts the p.Leu1764Pro amino acid residue in BRCA1. Other variant(s) that disrupt this residue have been determined to be pathogenic (PMID: 20516115, 17308087, 20378548, 30209399, 17924331, 21990134, Invitae). This suggests that this residue is clinically significant, and that variants that disrupt this residue are likely to be disease-causing. This variant has not been reported in the literature in individuals with BRCA1-related conditions. ClinVar contains an entry for this variant (Variation ID: 868288). This variant is not present in population databases (ExAC no frequency). This sequence change replaces leucine with isoleucine at codon 1764 of the BRCA1 protein (p.Leu1764Ile). The leucine residue is moderately conserved and there is a small physicochemical difference between leucine and isoleucine.

Brotman Baty Institute, University of Washington
No classification provided (evidence only). Condition: Breast-ovarian cancer, familial 1. Review status: no classification provided. Collection method: in vitro. Allele origin: not applicable. Functional consequence: functionally_normal. Not counted in ClinVar's aggregate classification.
ClinVar note: "not provided" was previously submitted as the classification for the variant. However, the classification appeared to be based only on an observation of functional data so it was converted to no classification on 2025-07-30.

Literature cited by the submitters: PubMed 20516115 (cited by Labcorp Genetics (formerly Invitae), Labcorp); PubMed 17308087 (cited by Labcorp Genetics (formerly Invitae), Labcorp); PubMed 20378548 (cited by Labcorp Genetics (formerly Invitae), Labcorp); PubMed 30209399 (cited by Labcorp Genetics (formerly Invitae), Labcorp); PubMed 17924331 (cited by Labcorp Genetics (formerly Invitae), Labcorp); PubMed 21990134 (cited by Labcorp Genetics (formerly Invitae), Labcorp).